The following is an entry in ClinVar:

ClinVar aggregate classification (germline): Uncertain significance (1 of 4 stars; one submission).

Conditions:
Compton-North congenital myopathy (CMYO12). Identifiers: Orphanet 210163, MedGen C2675527, MONDO:0012929, OMIM 612540.

Submission:

Labcorp Genetics (formerly Invitae), Labcorp
Classification: Uncertain significance for Compton-North congenital myopathy. Last evaluated: 2022-03-31. Review status: criteria provided, single submitter. Criteria: Invitae Variant Classification Sherloc (09022015). Collection method: clinical testing. Allele origin: germline.
Comment: In summary, the available evidence is currently insufficient to determine the role of this variant in disease. Therefore, it has been classified as a Variant of Uncertain Significance. Advanced modeling of protein sequence and biophysical properties (such as structural, functional, and spatial information, amino acid conservation, physicochemical variation, residue mobility, and thermodynamic stability) performed at Invitae indicates that this missense variant is not expected to disrupt CNTN1 protein function. This variant has not been reported in the literature in individuals affected with CNTN1-related conditions. This variant is not present in population databases (gnomAD no frequency). This sequence change replaces serine, which is neutral and polar, with isoleucine, which is neutral and non-polar, at codon 625 of the CNTN1 protein (p.Ser625Ile).

NM_001843.4(CNTN1):c.1874G>T (p.Ser625Ile)

Gene: CNTN1 (contactin 1; plus strand). Cytogenetic location: 12q12.
Variant type: single nucleotide variant.
Coding change: c.1874G>T on transcript NM_001843.4 (MANE Select); coding-DNA position 1874, G replaced by T.
Protein change: p.Ser625Ile; replaces serine 625 with isoleucine.
Molecular consequence: missense variant.
Genome position (GRCh38, 1-based): chr12:40,980,978, G>T. VCF-style: chr12-40980978-G-T. GRCh37 (hg19) VCF-style: chr12-41374780-G-T.
Other names: c.1841G>T, p.Ser614Ile (NM_175038.2); short protein forms S625I, S614I.
Identifiers: ClinVar variation 2119908 (VCV002119908.4), dbSNP rs377169013, ClinGen allele CA384585872.